The following is an entry in ClinVar:

ClinVar aggregate classification (germline): Benign/Likely benign. Review status: criteria provided, multiple submitters, no conflicts (2 of 4 stars). 4 submissions from 4 submitters: Benign (1); Likely benign (3). Last evaluated 2024-07-23.

Conditions:
Hereditary cancer-predisposing syndrome. Also called: Neoplastic Syndromes, Hereditary; Tumor predisposition; Hereditary Cancer Syndrome; Hereditary neoplastic syndrome. Identifiers: Orphanet 140162, MedGen C0027672, MeSH D009386, MONDO:0015356.
Familial cancer of breast. Also called: BREAST CANCER, FAMILIAL; Hereditary breast cancer; hereditary breast carcinoma. Identifiers: Orphanet 227535, MedGen C0346153, MONDO:0016419, OMIM 114480. Disease mechanism: loss of function.

Submissions (4):

Myriad Genetics, Inc.
Classification: Benign for Familial cancer of breast. Last evaluated: 2024-07-23. Review status: criteria provided, single submitter. Criteria: Myriad Autosomal Dominant, Autosomal Recessive and X-Linked Classification Criteria (2023). Collection method: clinical testing. Allele origin: unknown.
Comment: This variant is considered benign. This variant is a silent/synonymous amino acid change and it is not expected to impact splicing.

Labcorp Genetics (formerly Invitae), Labcorp
Classification: Likely benign for Familial cancer of breast. Last evaluated: 2020-09-20. Review status: criteria provided, single submitter. Criteria: Invitae Variant Classification Sherloc (09022015). Collection method: clinical testing. Allele origin: germline.

Ambry Genetics
Classification: Likely benign for Hereditary cancer-predisposing syndrome. Last evaluated: 2020-01-27. Review status: criteria provided, single submitter. Criteria: Ambry Variant Classification Scheme 2023. Collection method: clinical testing. Allele origin: germline.

Color Diagnostics, LLC DBA Color Health
Classification: Likely benign for Hereditary cancer-predisposing syndrome. Last evaluated: 2019-05-14. Review status: criteria provided, single submitter. Criteria: ACMG Guidelines, 2015. Collection method: clinical testing. Allele origin: germline.

NM_000465.4(BARD1):c.912C>T (p.Cys304=)

Gene: BARD1 (BRCA1 associated RING domain 1; minus strand). Cytogenetic location: 2q35.
Variant type: single nucleotide variant.
Coding change: c.912C>T on transcript NM_000465.4 (MANE Select); coding-DNA position 912, C replaced by T.
Protein change: p.Cys304=; no amino-acid change (cysteine 304 retained).
Molecular consequence: synonymous variant. On other transcripts: non-coding transcript variant (2), intron variant (3).
Genome position (GRCh38, 1-based): chr2:214,780,962, G>A on the plus strand (C>T on the coding strand, the complement: BARD1 is on the minus strand). VCF-style: chr2-214780962-G-A. GRCh37 (hg19) VCF-style: chr2-215645686-G-A.
Other names: c.855C>T, p.Cys285= (NM_001282543.2); c.159-28407C>T (NM_001282548.2); c.215+16099C>T (NM_001282545.2); c.364+11335C>T (NM_001282549.2); c.912C>T (NM_000465.2).
Identifiers: ClinVar variation 927046 (VCV000927046.15), dbSNP rs1694981725, ClinGen allele CA431391650.